The following is an entry in ClinVar:

NM_001377265.1(MAPT):c.1808G>A (p.Arg603His)

Gene: MAPT (microtubule associated protein tau). Cytogenetic location: 17q21.31.
Variant type: single nucleotide variant.
Coding change: c.1808G>A on transcript NM_001377265.1 (MANE Select); coding-DNA position 1808, G replaced by A.
Protein change: p.Arg603His; replaces arginine 603 with histidine.
Molecular consequence: missense variant.
Genome position (GRCh38, 1-based): chr17:45,996,474, G>A. VCF-style: chr17-45996474-G-A. GRCh37 (hg19) VCF-style: chr17-44073840-G-A.
Other names: c.1637G>A, p.Arg546His (NM_001123066.4); c.545G>A, p.Arg182His (NM_001123067.4, NM_001203251.2, NM_001377267.1); c.632G>A, p.Arg211His (NM_001203252.2, NM_005910.6); c.1610G>A, p.Arg537His (NM_001377266.1); c.458G>A, p.Arg153His (NM_001377268.1, NM_016834.5, NM_016841.5); c.1583G>A, p.Arg528His (NM_016835.5); short protein forms R537H, R603H, R211H, R153H, R528H, R546H, R182H.
Identifiers: ClinVar variation 1413319 (VCV001413319.6), dbSNP rs780895519, ClinGen allele CA8618039.

ClinVar aggregate classification (germline): Uncertain significance (1 of 4 stars; one submission).

Conditions:
Frontotemporal dementia (FTD1). Also called: MULTIPLE SYSTEM TAUOPATHY WITH PRESENILE DEMENTIA; WILHELMSEN-LYNCH DISEASE; FRONTOTEMPORAL LOBAR DEGENERATION WITH TAU INCLUSIONS; FTLD WITH TAU INCLUSIONS; Dementia, frontotemporal, with or without parkinsonism; FRONTOTEMPORAL DEMENTIA WITH PARKINSONISM. Identifiers: Orphanet 282, MedGen C0338451, MONDO:0017276, OMIM 600274, HP:0002145.

Allele frequency attached by ClinVar (database versions not stated): ExAC 0.00001; gnomAD 0.00001; gnomAD exomes 0.00001; TOPMed 0.00001.
gnomAD v4.1: 16 of 1,612,842 alleles (0.00099%); highest among the groups gnomAD compares: Middle Eastern, 0.016%; no homozygotes.

Submission:

Labcorp Genetics (formerly Invitae), Labcorp
Classification: Uncertain significance for Frontotemporal dementia. Last evaluated: 2021-09-14. Review status: criteria provided, single submitter. Criteria: Invitae Variant Classification Sherloc (09022015). Collection method: clinical testing. Allele origin: germline.
Comment: This sequence change replaces arginine with histidine at codon 211 of the MAPT protein (p.Arg211His). The arginine residue is highly conserved and there is a small physicochemical difference between arginine and histidine. This variant is present in population databases (rs780895519, ExAC 0.002%). This variant has not been reported in the literature in individuals affected with MAPT-related conditions. Algorithms developed to predict the effect of missense changes on protein structure and function are either unavailable or do not agree on the potential impact of this missense change (SIFT: "Deleterious"; PolyPhen-2: "Probably Damaging"; Align-GVGD: "Class C0"). In summary, the available evidence is currently insufficient to determine the role of this variant in disease. Therefore, it has been classified as a Variant of Uncertain Significance.